The following is an entry in ClinVar:

ClinVar aggregate classification (germline): Conflicting classifications of pathogenicity. Review status: criteria provided, conflicting classifications (1 of 4 stars). 5 submissions from 5 submitters: Pathogenic (1); Likely pathogenic (2); Likely benign (1). 1 of the submissions does not count toward it. Last evaluated 2025-05-01.

Conditions:
Waardenburg syndrome type 4B (WS4B). Also called: WAARDENBURG SYNDROME, TYPE 4B, WITH HIRSCHSPRUNG DISEASE. Identifiers: Orphanet 897, MedGen C2750457, MONDO:0013201, OMIM 613265.
Hirschsprung disease, susceptibility to, 4. Identifiers: Orphanet 388, MedGen C3150975, MONDO:0013384, OMIM 613712.
EDN3-related disorder. Also called: EDN3-related condition.

Allele frequency attached by ClinVar (database versions not stated): gnomAD exomes 0.00001 and 0.00002; ExAC 0.00003.
gnomAD v4.1: 14 of 1,614,220 alleles (0.00087%); highest among the groups gnomAD compares: South Asian, 0.015%; no homozygotes.

Submissions (5):

First Genomix Gene Laboratory, Genetic Diagnostics Department
Classification: Likely pathogenic for Waardenburg syndrome type 4B. Last evaluated: 2025-05-01. Review status: criteria provided, single submitter. Criteria: ACMG Guidelines, 2015. Collection method: clinical testing. Allele origin: germline. Inheritance: Autosomal recessive inheritance. Affected: no. Observed: 1 variant allele.

Revvity Omics, Revvity
Classification: Likely pathogenic for Waardenburg syndrome type 4B. Last evaluated: 2023-02-17. Review status: criteria provided, single submitter. Criteria: ACMG Guidelines, 2015. Collection method: clinical testing. Allele origin: germline.

Illumina Laboratory Services, Illumina
Classification: Likely benign for Hirschsprung disease, susceptibility to, 4. Last evaluated: 2017-04-27. Review status: criteria provided, single submitter. Criteria: ICSL Variant Classification Criteria 13 December 2019. Collection method: clinical testing. Allele origin: germline.
Comment: This variant was observed as part of a predisposition screen in an ostensibly healthy population. A literature search was performed for the gene, cDNA change, and amino acid change (where applicable). No publications were found based on this search. Allele frequency data from public databases allowed determination this variant is unlikely to cause disease. Therefore, this variant is classified as likely benign.

Center for Human Genetics, Inc
Classification: Pathogenic for Waardenburg syndrome type 4B. Last evaluated: 2016-11-01. Review status: criteria provided, single submitter. Criteria: ACMG Guidelines, 2015. Collection method: clinical testing. Allele origin: germline. Affected: yes.

PreventionGenetics, part of Exact Sciences
Classification: Pathogenic for EDN3-related condition. Last evaluated: 2024-01-08. Review status: no assertion criteria provided. Collection method: clinical testing. Allele origin: germline. Not counted in ClinVar's aggregate classification.
Comment: The EDN3 c.293C>A variant is predicted to result in the amino acid substitution p.Thr98Lys. This variant was reported in the homozygous or compound heterozygous states in four individuals with Waardenburg syndrome, with depigmentation noted in heterozygotes (Table S4, Pingault. 2010. PubMed ID: 20127975). This variant is reported in 0.016% of alleles in individuals of South Asian descent in gnomAD. A different substitution at this amino acid position (p.Thr98Met) has been reported as pathogenic (Mohseni. 2021. PubMed ID: 33713422; Kapoor. 2012. PubMed ID: 22876130). This variant is interpreted as pathogenic.

NM_207034.3(EDN3):c.293C>A (p.Thr98Lys)

Gene: EDN3 (endothelin 3; plus strand). Cytogenetic location: 20q13.32.
Variant type: single nucleotide variant.
Coding change: c.293C>A on transcript NM_207034.3 (MANE Select); coding-DNA position 293, C replaced by A.
Protein change: p.Thr98Lys; replaces threonine 98 with lysine.
Molecular consequence: missense variant.
Genome position (GRCh38, 1-based): chr20:59,301,650, C>A. VCF-style: chr20-59301650-C-A. GRCh37 (hg19) VCF-style: chr20-57876705-C-A.
Other names: c.293C>A, p.Thr98Lys (NM_001302455.2, NM_001302456.2, NM_207032.3 and 1 more transcripts); short protein forms T98K.
Identifiers: ClinVar variation 339123 (VCV000339123.12), dbSNP rs745795470, ClinGen allele CA9930322.